The following is an entry in ClinVar:

ClinVar aggregate classification (germline): Benign/Likely benign. Review status: criteria provided, multiple submitters, no conflicts (2 of 4 stars). 9 submissions from 9 submitters: Benign (5); Likely benign (3). 1 of the submissions does not count toward it. Last evaluated 2026-01-28.

Conditions:
Hereditary cancer-predisposing syndrome. Also called: Tumor predisposition; Hereditary neoplastic syndrome; Neoplastic Syndromes, Hereditary; Hereditary Cancer Syndrome. Identifiers: Orphanet 140162, MedGen C0027672, MeSH D009386, MONDO:0015356.
Neuroblastoma, susceptibility to, 3. Also called: ALK-Related Neuroblastic Tumor Susceptibility. Identifiers: Orphanet 635, MedGen C2751681, MONDO:0013083, OMIM 613014.

Allele frequency attached by ClinVar (database versions not stated): gnomAD 0.00021 and 0.00038; TOPMed 0.00039; gnomAD exomes 0.00047 and 0.00070; ExAC 0.00068; 1000 Genomes Project 30x 0.00156; 1000 Genomes Project 0.00200.
gnomAD v4.1: 738 of 1,614,208 alleles (0.046%); highest among the groups gnomAD compares: East Asian, 1%; 3 homozygotes.

Submissions (9):

Labcorp Genetics (formerly Invitae), Labcorp
Classification: Benign for Neuroblastoma, susceptibility to, 3. Last evaluated: 2026-01-28. Review status: criteria provided, single submitter. Criteria: Invitae Variant Classification Sherloc (09022015). Collection method: clinical testing. Allele origin: germline.

Blueprint Genetics
Classification: Likely benign. Last evaluated: 2024-11-06. Review status: criteria provided, single submitter. Criteria: ACMG Guidelines, 2015. Collection method: clinical testing. Allele origin: germline.

KCCC/NGS Laboratory, Kuwait Cancer Control Center
Classification: Benign for Neuroblastoma, susceptibility to, 3. Last evaluated: 2023-07-07. Review status: criteria provided, single submitter. Criteria: ACMG Guidelines, 2015. Collection method: clinical testing. Allele origin: germline. Affected: yes.

CeGaT Center for Human Genetics Tuebingen
Classification: Benign. Last evaluated: 2022-08-01. Review status: criteria provided, single submitter. Criteria: CeGaT Center For Human Genetics Tuebingen Variant Classification Criteria Version 2. Collection method: clinical testing. Allele origin: germline. Affected: yes. Observed: 2 variant alleles.
Comment: ALK: BS1, BS2

Sema4
Classification: Likely benign for Hereditary cancer-predisposing syndrome. Last evaluated: 2021-05-24. Review status: criteria provided, single submitter. Criteria: Sema4 Curation Guidelines. Collection method: curation. Allele origin: germline.

GeneDx
Classification: Likely benign. Last evaluated: 2018-05-18. Review status: criteria provided, single submitter. Criteria: GeneDx Variant Classification (06012015). Collection method: clinical testing. Allele origin: germline. Affected: yes.
Comment: This variant is considered likely benign or benign based on one or more of the following criteria: it is a conservative change, it occurs at a poorly conserved position in the protein, it is predicted to be benign by multiple in silico algorithms, and/or has population frequency not consistent with disease.

Illumina Laboratory Services, Illumina
Classification: Benign for Neuroblastoma, susceptibility to, 3. Last evaluated: 2018-01-12. Review status: criteria provided, single submitter. Criteria: ICSL Variant Classification Criteria 13 December 2019. Collection method: clinical testing. Allele origin: germline.
Comment: This variant was observed in the ICSL laboratory as part of a predisposition screen in an ostensibly healthy population. It had not been previously curated by ICSL or reported in the Human Gene Mutation Database (HGMD: prior to June 1st, 2018), and was therefore a candidate for classification through an automated scoring system. Utilizing variant allele frequency, disease prevalence and penetrance estimates, and inheritance mode, an automated score was calculated to assess if this variant is too frequent to cause the disease. Based on the score and internal cut-off values, a variant classified as benign is not then subjected to further curation. The score for this variant resulted in a classification of benign for this disease.

Ambry Genetics
Classification: Benign for Hereditary cancer-predisposing syndrome. Last evaluated: 2016-11-01. Review status: criteria provided, single submitter. Criteria: Ambry Variant Classification Scheme 2023. Collection method: clinical testing. Allele origin: germline.

ITMI
No classification provided. Condition: AllHighlyPenetrant. Last evaluated: 2013-09-19. Review status: no classification provided. Collection method: reference population. Allele origin: germline. Not counted in ClinVar's aggregate classification.
Comment: Please see associated publication for description of ethnicities

Literature cited by the submitters: PubMed 24728327 (cited by ITMI).

NM_004304.5(ALK):c.3035C>T (p.Thr1012Met)

Gene: ALK (ALK receptor tyrosine kinase; minus strand). Cytogenetic location: 2p23.2.
Variant type: single nucleotide variant.
Coding change: c.3035C>T on transcript NM_004304.5 (MANE Select); coding-DNA position 3035, C replaced by T.
Protein change: p.Thr1012Met; replaces threonine 1012 with methionine.
Molecular consequence: missense variant.
Genome position (GRCh38, 1-based): chr2:29,226,954, G>A on the plus strand (C>T on the coding strand, the complement: ALK is on the minus strand). VCF-style: chr2-29226954-G-A. GRCh37 (hg19) VCF-style: chr2-29449820-G-A.
Other names: short protein forms T1012M.
Identifiers: ClinVar variation 133465 (VCV000133465.47), dbSNP rs35073634, ClinGen allele CA156611.
Genomic context (GRCh38, chr2:29,226,954, plus strand): 5'-TCTGCCTCCCCTGGCCCTGCCCCCTTACCAATGCAGGAGACGCCATCCTCAGCCAGCACC[G>A]TCCCGTGGTCACAGAAGCAGATGACCTTGTGGCTTTCAGGGTCCATGTGACATTCGTCTA-3'
Protein context (NP_004295.2, residues 1002-1022): HKVICFCDHG[Thr1012Met]VLAEDGVSCI